The following is an entry in ClinVar:

ClinVar aggregate classification (germline): Uncertain significance (1 of 4 stars; one submission).

Conditions:
Catecholaminergic polymorphic ventricular tachycardia (CVPT). Also called: Catecholamine-induced polymorphic ventricular tachycardia. Identifiers: Orphanet 3286, MedGen C5574922, MONDO:0017990.

Submission:

All of Us Research Program, National Institutes of Health
Classification: Uncertain significance for Catecholaminergic polymorphic ventricular tachycardia. Last evaluated: 2023-06-28. Review status: criteria provided, single submitter. Criteria: ACMG Guidelines, 2015. Collection method: clinical testing. Allele origin: germline. Inheritance: Autosomal dominant inheritance. Observed: 1 variant allele, 1 heterozygote.
Comment: This study involves interpretation of variants in research participants for the purpose of population health screening. Participant phenotype was not available at the time of variant classification. Additional details can be found in publication PMID: 35346344, PMCID: PMC8962531

NM_001035.3(RYR2):c.834G>C (p.Glu278Asp)

Gene: RYR2 (ryanodine receptor 2; plus strand). Cytogenetic location: 1q43.
Variant type: single nucleotide variant.
Coding change: c.834G>C on transcript NM_001035.3 (MANE Select); coding-DNA position 834, G replaced by C.
Protein change: p.Glu278Asp; replaces glutamic acid 278 with aspartic acid.
Molecular consequence: missense variant.
Genome position (GRCh38, 1-based): chr1:237,417,109, G>C. VCF-style: chr1-237417109-G-C. GRCh37 (hg19) VCF-style: chr1-237580409-G-C.
Other names: short protein forms E278D.
Identifiers: ClinVar variation 3071687 (VCV003071687.1), dbSNP rs776594549, ClinGen allele CA345383818.
Genomic context (GRCh38, chr1:237,417,109, plus strand): 5'-AACTGTTCATTATGAAGGTGGCGCTGTGTCTGTTCATGCACGTTCCCTTTGGAGACTAGA[G>C]ACGCTAAGAGTTGCGTAAGTAGAACTTCTAAACACAGCCTAATGCACCAAGTGTACCAAA-3'
Protein context (NP_001026.2, residues 268-288): SVHARSLWRL[Glu278Asp]TLRVAWSGSH